The following is an entry in ClinVar:

NM_025137.4(SPG11):c.5380C>G (p.Leu1794Val)

Gene: SPG11 (SPG11 vesicle trafficking associated, spatacsin; minus strand). Cytogenetic location: 15q21.1.
Variant type: single nucleotide variant.
Coding change: c.5380C>G on transcript NM_025137.4 (MANE Select); coding-DNA position 5380, C replaced by G.
Protein change: p.Leu1794Val; replaces leucine 1794 with valine.
Molecular consequence: missense variant.
Genome position (GRCh38, 1-based): chr15:44,584,300, G>C on the plus strand (C>G on the coding strand, the complement: SPG11 is on the minus strand). VCF-style: chr15-44584300-G-C. GRCh37 (hg19) VCF-style: chr15-44876498-G-C.
Other names: c.5380C>G, p.Leu1794Val (NM_001160227.2); c.5236C>G, p.Leu1746Val (NM_001411132.1); short protein forms L1746V, L1794V.
Identifiers: ClinVar variation 4292992 (VCV004292992.1).

ClinVar aggregate classification (germline): Uncertain significance (1 of 4 stars; one submission).

Conditions:
Amyotrophic lateral sclerosis type 5 (ALS5). Also called: AMYOTROPHIC LATERAL SCLEROSIS 5, JUVENILE. Identifiers: Orphanet 300605, MedGen C1865864, MONDO:0011196, OMIM 602099.

gnomAD v4.1: 2 of 1,612,678 alleles (0.00012%); highest among the groups gnomAD compares: Middle Eastern, 0.017%; no homozygotes.

Submission:

3billion
Classification: Uncertain significance for Amyotrophic lateral sclerosis type 5. Last evaluated: 2024-06-26. Review status: criteria provided, single submitter. Criteria: ACMG Guidelines, 2015. Collection method: clinical testing. Allele origin: germline. Affected: yes.
Comment: The variant is observed at an extremely low frequency in the gnomAD v4.0.0 dataset (total allele frequency: <0.001%). Predicted Consequence/Location: Missense variant A different missense change at the same codon (p.Leu1794Pro) has been reported as pathogenic/likely pathogenic with strong evidence (ClinVar ID: VCV000374112 /PMID: 26374131 /3billion dataset). Therefore, this variant is classified as VUS according to the recommendation of ACMG/AMP guideline.

Literature cited by the submitters: PubMed 26374131.